The following is an entry in ClinVar:

ClinVar aggregate classification (germline): Likely benign (0 of 4 stars; one submission).

Conditions:
RP1L1-related disorder. Also called: RP1L1-related condition.

Allele frequency attached by ClinVar (database versions not stated): ExAC 0.00001; gnomAD exomes 0.00001; TOPMed 0.00001.
gnomAD v4.1: 9 of 1,613,228 alleles (0.00056%); highest among the groups gnomAD compares: Middle Eastern, 0.033%; no homozygotes.

Submission:

PreventionGenetics, part of Exact Sciences
Classification: Likely benign for RP1L1-related condition. Last evaluated: 2019-03-20. Review status: no assertion criteria provided. Collection method: clinical testing. Allele origin: germline.
Comment: This variant is classified as likely benign based on ACMG/AMP sequence variant interpretation guidelines (Richards et al. 2015 PMID: 25741868, with internal and published modifications).

NM_178857.6(RP1L1):c.1872C>G (p.Ala624=)

Gene: RP1L1 (RP1 like 1). Cytogenetic location: 8p23.1.
Variant type: single nucleotide variant.
Coding change: c.1872C>G on transcript NM_178857.6 (MANE Select); coding-DNA position 1872, C replaced by G.
Protein change: p.Ala624=; no amino-acid change (alanine 624 retained).
Molecular consequence: synonymous variant.
Genome position (GRCh38, 1-based): chr8:10,612,226, G>C on the plus strand (C>G on the coding strand, the complement: RP1L1 is on the minus strand). VCF-style: chr8-10612226-G-C. GRCh37 (hg19) VCF-style: chr8-10469736-G-C.
Identifiers: ClinVar variation 3058239 (VCV003058239.2), dbSNP rs765702048, ClinGen allele CA4625030.